The following is an entry in ClinVar:

NM_052947.4(ALPK2):c.455G>A (p.Ser152Asn)

Gene: ALPK2 (alpha kinase 2; minus strand). Cytogenetic location: 18q21.31.
Variant type: single nucleotide variant.
Coding change: c.455G>A on transcript NM_052947.4 (MANE Select); coding-DNA position 455, G replaced by A.
Protein change: p.Ser152Asn; replaces serine 152 with asparagine.
Molecular consequence: missense variant.
Genome position (GRCh38, 1-based): chr18:58,580,321, C>T on the plus strand (G>A on the coding strand, the complement: ALPK2 is on the minus strand). VCF-style: chr18-58580321-C-T. GRCh37 (hg19) VCF-style: chr18-56247553-C-T.
Other names: short protein forms S152N.
Identifiers: ClinVar variation 1741483 (VCV001741483.2), dbSNP rs2518900220, ClinGen allele CA402567929.
Genomic context (GRCh38, chr18:58,580,321, plus strand): 5'-AGTGAATGGTTGGATTTGGAGGGGGAGGAGTCAGCTGACCTGGGAGTGCCCGGGGAGATG[C>T]TTTCTTCTTCCTTATAAGGATGTTCCTTCTCATCAATCTGATTTGCCCTTTCTTCTTCAT-3'
Protein context (NP_443179.3, residues 142-162): EKEHPYKEEE[Ser152Asn]ISPGTPRSAD

ClinVar aggregate classification (germline): Uncertain significance (1 of 4 stars; one submission).

Submission:

Ambry Genetics
Classification: Uncertain significance. Last evaluated: 2021-06-23. Review status: criteria provided, single submitter. Criteria: Ambry Variant Classification Scheme 2023. Collection method: clinical testing. Allele origin: germline.
Comment: The p.S152N variant (also known as c.455G>A), located in coding exon 3 of the ALPK2 gene, results from a G to A substitution at nucleotide position 455. The serine at codon 152 is replaced by asparagine, an amino acid with highly similar properties. This amino acid position is conserved. In addition, this alteration is predicted to be tolerated by in silico analysis. Since supporting evidence is limited at this time, the clinical significance of this alteration remains unclear.